The following is an entry in ClinVar:

NM_017617.5(NOTCH1):c.1650C>T (p.Tyr550=)

Gene: NOTCH1 (notch receptor 1; minus strand). Cytogenetic location: 9q34.3.
Variant type: single nucleotide variant.
Coding change: c.1650C>T on transcript NM_017617.5 (MANE Select); coding-DNA position 1650, C replaced by T.
Protein change: p.Tyr550=; no amino-acid change (tyrosine 550 retained).
Molecular consequence: synonymous variant.
Genome position (GRCh38, 1-based): chr9:136,516,000, G>A on the plus strand (C>T on the coding strand, the complement: NOTCH1 is on the minus strand). VCF-style: chr9-136516000-G-A. GRCh37 (hg19) VCF-style: chr9-139410452-G-A.
Other names: c.1650C>T, p.Tyr550= (LRG_1122t1); c.1650C>T (NM_017617.4).
Identifiers: ClinVar variation 415403 (VCV000415403.19), dbSNP rs371634784, ClinGen allele CA5341697.

ClinVar aggregate classification (germline): Benign/Likely benign. Review status: criteria provided, multiple submitters, no conflicts (2 of 4 stars). 8 submissions from 7 submitters: Benign (5); Likely benign (3). Last evaluated 2026-06-27.

Conditions:
NOTCH1-related disorder. Also called: NOTCH1-related condition; NOTCH1-related disorders.
Adams-Oliver syndrome 5 (AOS5). Identifiers: Orphanet 974, MedGen C4014970, MONDO:0014459, OMIM 616028.
Familial thoracic aortic aneurysm and aortic dissection (TAAD). Also called: Thoracic aortic aneurysms and dissections. Identifiers: Orphanet 91387, MedGen C4707243, MONDO:0019625.
Aortic valve disease 1 (AOVD1). Identifiers: MedGen C3887892, MONDO:0024523, OMIM 109730.

Allele frequency attached by ClinVar (database versions not stated): ESP Exome Variant Server 0.00008; TOPMed 0.00009; gnomAD exomes 0.00041 and 0.00092; gnomAD 0.00080 and 0.00086; ExAC 0.00097.
gnomAD v4.1: 728 of 1,611,292 alleles (0.045%); highest among the groups gnomAD compares: Non-Finnish European, 0.013%; 3 homozygotes.

Submissions (8):

PreventionGenetics, part of Exact Sciences
Classification: Benign for NOTCH1-related condition. Last evaluated: 2026-06-27. Review status: criteria provided, single submitter. Criteria: ACMG Guidelines, 2015. Collection method: clinical testing. Allele origin: germline.
Comment: This variant is classified as benign based on ACMG/AMP sequence variant interpretation guidelines (Richards et al. 2015 PMID: 25741868, with internal and published modifications).

Labcorp Genetics (formerly Invitae), Labcorp
Classification: Benign for Adams-Oliver syndrome 5. Last evaluated: 2026-01-21. Review status: criteria provided, single submitter. Criteria: Invitae Variant Classification Sherloc (09022015). Collection method: clinical testing. Allele origin: germline.

Blueprint Genetics
Classification: Likely benign. Last evaluated: 2024-09-11. Review status: criteria provided, single submitter. Criteria: ACMG Guidelines, 2015. Collection method: clinical testing. Allele origin: germline.

Women's Health and Genetics/Laboratory Corporation of America, LabCorp
Classification: Benign. Last evaluated: 2024-08-27. Review status: criteria provided, single submitter. Criteria: LabCorp Variant Classification Summary - May 2015. Collection method: clinical testing. Allele origin: germline.

Genome-Nilou Lab
Classification: Benign for Adams-Oliver syndrome 5. Last evaluated: 2022-03-15. Review status: criteria provided, single submitter. Criteria: ACMG Guidelines, 2015. Collection method: clinical testing. Allele origin: germline. Affected: no.

Genome-Nilou Lab
Classification: Benign for Aortic valve disease 1. Last evaluated: 2022-03-15. Review status: criteria provided, single submitter. Criteria: ACMG Guidelines, 2015. Collection method: clinical testing. Allele origin: germline. Affected: no.

GeneDx
Classification: Likely benign. Last evaluated: 2020-06-08. Review status: criteria provided, single submitter. Criteria: GeneDx Variant Classification Process June 2021. Collection method: clinical testing. Allele origin: germline. Affected: yes.

Ambry Genetics
Classification: Likely benign for Familial thoracic aortic aneurysm and aortic dissection. Last evaluated: 2019-04-29. Review status: criteria provided, single submitter. Criteria: Ambry Variant Classification Scheme 2023. Collection method: clinical testing. Allele origin: germline.